The following is an entry in ClinVar:

ClinVar aggregate classification (germline): Uncertain significance (1 of 4 stars; one submission).

gnomAD v4.1: 3 of 1,613,730 alleles (0.00019%); highest among the groups gnomAD compares: Non-Finnish European, 0.00025%; no homozygotes.

Submission:

Labcorp Genetics (formerly Invitae), Labcorp
Classification: Uncertain significance. Last evaluated: 2025-04-29. Review status: criteria provided, single submitter. Criteria: Invitae Variant Classification Sherloc (09022015). Collection method: clinical testing. Allele origin: germline.
Comment: This sequence change falls in intron 26 of the LTBP2 gene. It does not directly change the encoded amino acid sequence of the LTBP2 protein. It affects a nucleotide within the consensus splice site. This variant is present in population databases (no rsID available, gnomAD 0.006%). This variant has not been reported in the literature in individuals affected with LTBP2-related conditions. Variants that disrupt the consensus splice site are a relatively common cause of aberrant splicing (PMID: 17576681, 9536098). Algorithms developed to predict the effect of sequence changes on RNA splicing suggest that this variant is not likely to affect RNA splicing. In summary, the available evidence is currently insufficient to determine the role of this variant in disease. Therefore, it has been classified as a Variant of Uncertain Significance.

Literature cited by the submitters: PubMed 17576681; PubMed 9536098.

NM_000428.3(LTBP2):c.3907+6T>C

Gene: LTBP2 (latent transforming growth factor beta binding protein 2; minus strand). Cytogenetic location: 14q24.3.
Variant type: single nucleotide variant.
Coding change: c.3907+6T>C on transcript NM_000428.3 (MANE Select); 6 bases into the intron after coding-DNA position 3907, T replaced by C.
Molecular consequence: intron variant.
Genome position (GRCh38, 1-based): chr14:74,507,173, A>G on the plus strand (T>C on the coding strand, the complement: LTBP2 is on the minus strand). VCF-style: chr14-74507173-A-G. GRCh37 (hg19) VCF-style: chr14-74973876-A-G.
Identifiers: ClinVar variation 4798684 (VCV004798684.1).